The following is an entry in ClinVar:

NM_004415.4(DSP):c.2675G>A (p.Arg892His)

Gene: DSP (desmoplakin; plus strand). Cytogenetic location: 6p24.3.
Variant type: single nucleotide variant.
Coding change: c.2675G>A on transcript NM_004415.4 (MANE Select); coding-DNA position 2675, G replaced by A.
Protein change: p.Arg892His; replaces arginine 892 with histidine.
Molecular consequence: missense variant.
Genome position (GRCh38, 1-based): chr6:7,576,338, G>A. VCF-style: chr6-7576338-G-A. GRCh37 (hg19) VCF-style: chr6-7576571-G-A.
Other names: c.2675G>A (LRG_423t1); c.2675G>A, p.Arg892His (NM_001008844.3, NM_001319034.2); short protein forms R892H.
Identifiers: ClinVar variation 566173 (VCV000566173.17), dbSNP rs758592774, ClinGen allele CA034580.

ClinVar aggregate classification (germline): Conflicting classifications of pathogenicity. Review status: criteria provided, conflicting classifications (1 of 4 stars). 6 submissions from 6 submitters: Uncertain significance (5); Likely benign (1). Last evaluated 2026-01-27.

Conditions:
Arrhythmogenic cardiomyopathy with wooly hair and keratoderma. Also called: Dilated cardiomyopathy with woolly hair and keratoderma; Arrhythmogenic cardiomyopathy with woolly hair and keratoderma; PALMOPLANTAR KERATODERMA WITH LEFT VENTRICULAR CARDIOMYOPATHY AND WOOLLY HAIR; Carvajal syndrome. Identifiers: Orphanet 65282, MedGen C1854063, MONDO:0011581, OMIM 605676.
Arrhythmogenic right ventricular dysplasia 8 (ARVD8). Also called: Arrhythmogenic Right Ventricular Dysplasia/Cardiomyopathy 8; ARRHYTHMOGENIC RIGHT VENTRICULAR DYSPLASIA, FAMILIAL, 8; ARRHYTHMOGENIC RIGHT VENTRICULAR CARDIOMYOPATHY 8. Identifiers: MedGen C1843896, MONDO:0011831, OMIM 607450.
DSP-related disorder. Also called: DSP-related condition; DSP-related disorders.
Cardiovascular phenotype. Identifiers: MedGen CN230736.
Cardiomyopathy (CMYO). Also called: Cardiomyopathies. Identifiers: Orphanet 167848, MedGen C0878544, MONDO:0004994, HP:0001638. Inheritance: Various modes of inheritance.

Allele frequency attached by ClinVar (database versions not stated): gnomAD 0.00001 and 0.00002; ExAC 0.00003; gnomAD exomes 0.00003; TOPMed 0.00003.
gnomAD v4.1: 19 of 1,613,942 alleles (0.0012%); highest among the groups gnomAD compares: African/African-American, 0.0027%; no homozygotes.

Submissions (6):

Labcorp Genetics (formerly Invitae), Labcorp
Classification: Likely benign for Arrhythmogenic cardiomyopathy with wooly hair and keratoderma; Arrhythmogenic right ventricular dysplasia 8. Last evaluated: 2026-01-27. Review status: criteria provided, single submitter. Criteria: Invitae Variant Classification Sherloc (09022015). Collection method: clinical testing. Allele origin: germline.

PreventionGenetics, part of Exact Sciences
Classification: Uncertain significance for DSP-related condition. Last evaluated: 2025-11-19. Review status: criteria provided, single submitter. Criteria: ACMG Guidelines, 2015. Collection method: clinical testing. Allele origin: germline.
Comment: The DSP c.2675G>A variant is predicted to result in the amino acid substitution p.Arg892His. This variant has been observed, along with two other variants in the MYH7 and MYL3 genes, in two of four tested relatives of subjects with unexplained sudden cardiac death before the age of 45 years; and, all three were reported as variants of uncertain clinical significance (Family 11 in Quenin et al. 2017. PubMed ID: 28912206). This variant is reported in 0.0058% of alleles in individuals of Latino descent in gnomAD. At this time, the clinical significance of this variant is uncertain due to the absence of conclusive functional and genetic evidence.

Color Diagnostics, LLC DBA Color Health
Classification: Uncertain significance for Cardiomyopathy. Last evaluated: 2024-02-16. Review status: criteria provided, single submitter. Criteria: ACMG Guidelines, 2015. Collection method: clinical testing. Allele origin: germline.
Comment: This missense variant replaces arginine with histidine at codon 892 of the DSP protein. Computational prediction suggests that this variant may not impact protein structure and function (internally defined REVEL score threshold <= 0.5, PMID: 27666373). To our knowledge, functional studies have not been reported for this variant. This variant has not been reported in individuals affected with DSP-related disorders in the literature. This variant has been identified in 8/251278 chromosomes in the general population by the Genome Aggregation Database (gnomAD). The available evidence is insufficient to determine the role of this variant in disease conclusively. Therefore, this variant is classified as a Variant of Uncertain Significance.

Ambry Genetics
Classification: Uncertain significance for Cardiovascular phenotype. Last evaluated: 2024-01-19. Review status: criteria provided, single submitter. Criteria: Ambry Variant Classification Scheme 2023. Collection method: clinical testing. Allele origin: germline.
Comment: The p.R892H variant (also known as c.2675G>A), located in coding exon 19 of the DSP gene, results from a G to A substitution at nucleotide position 2675. The arginine at codon 892 is replaced by histidine, an amino acid with highly similar properties. This alteration has been reported in a sudden death cohort (Quenin P et al. Circ Arrhythm Electrophysiol, 2017 Sep;10:). This amino acid position is well conserved in available vertebrate species. In addition, this alteration is predicted to be tolerated by in silico analysis. Based on the available evidence, the clinical significance of this alteration remains unclear.

Women's Health and Genetics/Laboratory Corporation of America, LabCorp
Classification: Uncertain significance. Last evaluated: 2022-12-27. Review status: criteria provided, single submitter. Criteria: LabCorp Variant Classification Summary - May 2015. Collection method: clinical testing. Allele origin: germline.
Comment: Variant summary: DSP c.2675G>A (p.Arg892His) results in a non-conservative amino acid change located in the Spectrin/alpha-actinin repeat domain (IPR018159) of the encoded protein sequence. Three of five in-silico tools predict a damaging effect of the variant on protein function. The variant allele was found at a frequency of 3.2e-05 in 251278 control chromosomes. The observed variant frequency within Latino/Admixed American and Non-Finnish European control individuals in the gnomAD database is approximately 2.32-fold (5.8e-05) and 2.12-fold (5.3e-05) higher, respectively, than the estimated maximal expected allele frequency for a pathogenic variant in DSP causing a Cardiomyopathy phenotype (2.5e-05), suggesting that the variant is may be a benign polymorphism found primarily in populations of Latino/Admixed American and Non-Finnish European origin. However, the total number of occurrence is relatively small. The variant, c.2675G>A, has been reported in the literature in an individual diagnosed with Brugada Syndrome (Quenin_2017). However, this report does not provide unequivocal conclusions about association of the variant with Cardiomyopathy. To our knowledge, no experimental evidence demonstrating an impact on protein function has been reported. Three clinical diagnostic laboratories have submitted clinical-significance assessments for this variant to ClinVar after 2014, and all laboratories classified the variant as uncertain significance. Based on the evidence outlined above, the variant was classified as uncertain significance.

GeneDx
Classification: Uncertain significance. Last evaluated: 2020-01-31. Review status: criteria provided, single submitter. Criteria: GeneDx Variant Classification Process June 2021. Collection method: clinical testing. Allele origin: germline. Affected: yes.
Comment: Has not been previously published as pathogenic or benign to our knowledge; Reported in ClinVar as a variant of uncertain significance (ClinVar Variant ID# 566173; Landrum et al., 2016); In silico analysis supports that this missense variant has a deleterious effect on protein structure/function

Literature cited by the submitters: PubMed 28912206 (cited by Ambry Genetics and Women's Health and Genetics/Laboratory Corporation of America, LabCorp).